The following is an entry in ClinVar:

NM_018136.5(ASPM):c.177C>G (p.Ala59=)

Genes: ASPM (assembly factor for spindle microtubules; minus strand), LOC129932155 (ATAC-STARR-seq lymphoblastoid silent region 1659; plus strand). Cytogenetic location: 1q31.3.
Variant type: single nucleotide variant.
Coding change: c.177C>G on transcript NM_018136.5 (MANE Select); coding-DNA position 177, C replaced by G.
Protein change: p.Ala59=; no amino-acid change (alanine 59 retained).
Molecular consequence: synonymous variant.
Genome position (GRCh38, 1-based): chr1:197,146,261, G>C on the plus strand (C>G on the coding strand, the complement: ASPM is on the minus strand). VCF-style: chr1-197146261-G-C. GRCh37 (hg19) VCF-style: chr1-197115391-G-C.
Other names: c.177C>G, p.Ala59= (NM_001206846.2).
Identifiers: ClinVar variation 390874 (VCV000390874.4), dbSNP rs1057523909, ClinGen allele CA16603506.

ClinVar aggregate classification (germline): Likely benign. Review status: criteria provided, multiple submitters, no conflicts (2 of 4 stars). 2 submissions from 2 submitters: Likely benign (2). Last evaluated 2023-09-20.

Submissions (2):

Labcorp Genetics (formerly Invitae), Labcorp
Classification: Likely benign. Last evaluated: 2023-09-20. Review status: criteria provided, single submitter. Criteria: Invitae Variant Classification Sherloc (09022015). Collection method: clinical testing. Allele origin: germline.

GeneDx
Classification: Likely benign. Last evaluated: 2016-11-17. Review status: criteria provided, single submitter. Criteria: GeneDx Variant Classification (06012015). Collection method: clinical testing. Allele origin: germline. Affected: yes.
Comment: This variant is considered likely benign or benign based on one or more of the following criteria: it is a conservative change, it occurs at a poorly conserved position in the protein, it is predicted to be benign by multiple in silico algorithms, and/or has population frequency not consistent with disease.